The following is an entry in ClinVar:

NM_004260.4(RECQL4):c.274_275delinsCG (p.Ser92Arg)

Gene: RECQL4 (RecQ like helicase 4; minus strand). Cytogenetic location: 8q24.3.
Variant type: Indel.
Coding change: c.274_275delinsCG on transcript NM_004260.4 (MANE Select); coding-DNA positions 274 to 275, TC replaced by CG.
Protein change: p.Ser92Arg; replaces serine 92 with arginine.
Molecular consequence: missense variant. On other transcripts: 5 prime UTR variant (17), non-coding transcript variant (3).
Genome position (GRCh38, 1-based): chr8:144,517,129-144,517,130, GA replaced by CG on the plus strand (TC replaced by CG on the coding strand, the reverse complement: RECQL4 is on the minus strand). VCF-style: chr8-144517129-GA-CG. GRCh37 (hg19) VCF-style: chr8-145742513-GA-CG.
Other names: c.274_275delinsCG, p.Ser92Arg (NM_001413017.1, NM_001413018.1, NM_001413019.1 and 5 more transcripts); c.-447_-446delinsCG (NM_001413021.1); c.-798_-797delinsCG (NM_001413022.1, NM_001413023.1, NM_001413037.1 and 3 more transcripts); c.-695_-694delinsCG (NM_001413024.1, NM_001413035.1); c.145_146delinsCG, p.Ser49Arg (NM_001413025.1); c.-860_-859delinsCG (NM_001413027.1, NM_001413030.1, NM_001413031.1 and 1 more transcripts); c.-523_-522delinsCG (NM_001413028.1); c.-757_-756delinsCG (NM_001413032.1); and 2 more; short protein forms S92R, S49R.
Identifiers: ClinVar variation 2882891 (VCV002882891.3), dbSNP rs587778649, ClinGen allele CA2739269108.

ClinVar aggregate classification (germline): Uncertain significance (1 of 4 stars; one submission).

Conditions:
Baller-Gerold syndrome (BGS). Also called: CRANIOSYNOSTOSIS WITH RADIAL DEFECTS. Identifiers: Orphanet 1225, MedGen C0265308, MONDO:0009039, OMIM 218600.

Submission:

Labcorp Genetics (formerly Invitae), Labcorp
Classification: Uncertain significance for Baller-Gerold syndrome. Last evaluated: 2023-05-30. Review status: criteria provided, single submitter. Criteria: Invitae Variant Classification Sherloc (09022015). Collection method: clinical testing. Allele origin: germline.
Comment: In summary, the available evidence is currently insufficient to determine the role of this variant in disease. Therefore, it has been classified as a Variant of Uncertain Significance. Experimental studies and prediction algorithms are not available or were not evaluated, and the functional significance of this variant is currently unknown. This variant has not been reported in the literature in individuals affected with RECQL4-related conditions. The frequency data for this variant in the population databases is considered unreliable, as metrics indicate poor data quality at this position in the gnomAD database. This sequence change replaces proline, which is neutral and non-polar, with arginine, which is basic and polar, at codon 92 of the RECQL4 protein (p.Pro92Arg).